The following is an entry in ClinVar:

NM_015909.4(NBAS):c.2951T>G (p.Ile984Ser)

Gene: NBAS (NBAS subunit of NRZ tethering complex; minus strand). Cytogenetic location: 2p24.3.
Variant type: single nucleotide variant.
Coding change: c.2951T>G on transcript NM_015909.4 (MANE Select); coding-DNA position 2951, T replaced by G.
Protein change: p.Ile984Ser; replaces isoleucine 984 with serine.
Molecular consequence: missense variant. On other transcripts: non-coding transcript variant (1).
Genome position (GRCh38, 1-based): chr2:15,402,288, A>C on the plus strand (T>G on the coding strand, the complement: NBAS is on the minus strand). VCF-style: chr2-15402288-A-C. GRCh37 (hg19) VCF-style: chr2-15542412-A-C.
Other names: short protein forms I984S.
Identifiers: ClinVar variation 1335897 (VCV001335897.11), dbSNP rs140841721, ClinGen allele CA42621763.

ClinVar aggregate classification (germline): Conflicting classifications of pathogenicity. Review status: criteria provided, conflicting classifications (1 of 4 stars). 4 submissions from 4 submitters: Pathogenic (3); Uncertain significance (1). Last evaluated 2024-01-29.

Conditions:
Infantile liver failure syndrome 2 (ILFS2). Identifiers: MedGen C3809651, MONDO:0014659, OMIM 616483.

Allele frequency attached by ClinVar (database versions not stated): ESP Exome Variant Server 0.00008; gnomAD exomes 0.00001.
gnomAD v4.1: 25 of 1,613,394 alleles (0.0015%); highest among the groups gnomAD compares: Non-Finnish European, 0.0019%; no homozygotes.

Submissions (4):

HudsonAlpha Institute for Biotechnology
Classification: Pathogenic for Infantile liver failure syndrome 2. Last evaluated: 2024-01-29. Review status: criteria provided, single submitter. Criteria: ACMG Guidelines, 2015. Collection method: research. Allele origin: unknown. Affected: yes. Observed: 1 variant allele. Study: HudsonAlpha-AGHI-WGS.

Victorian Clinical Genetics Services, Murdoch Childrens Research Institute
Classification: Pathogenic for Infantile liver failure syndrome 2. Last evaluated: 2022-09-02. Review status: criteria provided, single submitter. Criteria: ACMG Guidelines, 2015. Collection method: clinical testing. Allele origin: germline. Inheritance: Autosomal recessive inheritance. Affected: yes.
Comment: Based on the classification scheme VCGS_Germline_v1.3.2, this variant is classified as Pathogenic. Following criteria are met: 0102 - Loss of function is a known mechanism of disease in this gene and is associated with infantile liver failure syndrome 2. (I) 0106 - This gene is associated with autosomal recessive disease. (I) 0200 - Variant is predicted to result in a missense amino acid change from isoleucine to serine. (I) 0251 - This variant is heterozygous. (I) 0304 - Variant is present in gnomAD <0.01 for a recessive condition (3 heterozygotes, 0 homozygotes). (SP) 0502 - Missense variant with conflicting in silico predictions and uninformative conservation. (I) 0601 - Variant is located in the well-established functional Sec39 domain. (PMID: 26073778) (SP) 0705 - No comparable missense variants have previous evidence for pathogenicity. (I) 0802 - This variant has moderate previous evidence of pathogenicity in unrelated individuals. (PMID: 26073778, PMID: 31761904, Conference Abstract) (SP) 0905 - No published segregation evidence has been identified for this variant. (I) 1001 - This variant has strong functional evidence supporting abnormal protein function. Analysis of this patient's fibroblasts revealed normal NBAS protein levels but significantly reduced p31, its interaction partner (J Christodoulou). (SP) 1101 - Very strong and specific phenotype match for this individual’s daughter. (I) Legend: (SP) - Supporting pathogenic, (I) - Information, (SB) - Supporting benign

Labcorp Genetics (formerly Invitae), Labcorp
Classification: Uncertain significance. Last evaluated: 2022-08-23. Review status: criteria provided, single submitter. Criteria: Invitae Variant Classification Sherloc (09022015). Collection method: clinical testing. Allele origin: germline.
Comment: This sequence change replaces isoleucine, which is neutral and non-polar, with serine, which is neutral and polar, at codon 984 of the NBAS protein (p.Ile984Ser). This variant is present in population databases (rs140841721, gnomAD 0.003%). This missense change has been observed in individual(s) with SOPH syndrome and acute liver failure (PMID: 26073778, 31761904). In at least one individual the data is consistent with being in trans (on the opposite chromosome) from a pathogenic variant. ClinVar contains an entry for this variant (Variation ID: 1335897). Algorithms developed to predict the effect of missense changes on protein structure and function are either unavailable or do not agree on the potential impact of this missense change (SIFT: "Deleterious"; PolyPhen-2: "Benign"; Align-GVGD: "Class C65"). In summary, the available evidence is currently insufficient to determine the role of this variant in disease. Therefore, it has been classified as a Variant of Uncertain Significance.

Brain and Mitochondrial Research, Murdoch Children's Research Insitute
Classification: Pathogenic for Infantile liver failure syndrome 2. Review status: criteria provided, single submitter. Criteria: ACMG Guidelines, 2015. Collection method: research. Allele origin: germline, not applicable. Inheritance: Autosomal recessive inheritance. Affected: yes. Observed: 3 variant alleles, 3 compound heterozygotes.
Comment: The NM_015909.3(NBAS):c.2951T>G; p.(Ile984Ser) variant has been identified in three individuals from two families with NBAS-associated RALF (MIM#616483). The variant was present in a large population database at a frequency of <0.01% (3 heterozygotes, 0 homozygotes) (gnomAD v2.1.1 (accessed 15/11/2019). Computational evidence for pathogenicity is conflicting with uninformative conservation (100 vertebrates, UCSC, (accessed 15/11/2019). This variant is predicted to result in a missense amino acid change from isoleucine to serine, there is a large physicochemical difference between isoleucine and serine (Grantham Distance of 142). The variant is located in the well-established functional Sec39 domain. Functional studies of patient's fibroblasts revealed normal NBAS protein levels but significantly reduced p31 when in trans with a likely pathogenic missense variant and decreased NBAS protein expression when in trans with a pathogenic nonsense variant. Based on current information this variant has been classified as PATHOGENIC.

Literature cited by the submitters: PubMed 26073778 (cited by Victorian Clinical Genetics Services, Murdoch Childrens Research Institute and Labcorp Genetics (formerly Invitae), Labcorp); PubMed 31761904 (cited by Victorian Clinical Genetics Services, Murdoch Childrens Research Institute and Labcorp Genetics (formerly Invitae), Labcorp).